The following is an entry in ClinVar:

ClinVar aggregate classification (germline): Uncertain significance (1 of 4 stars; one submission).

Allele frequency attached by ClinVar (database versions not stated): gnomAD exomes below 0.00001.
gnomAD v4.1: 4 of 1,577,564 alleles (0.00025%); highest among the groups gnomAD compares: Non-Finnish European, 0.00034%; no homozygotes.

Submission:

Labcorp Genetics (formerly Invitae), Labcorp
Classification: Uncertain significance. Last evaluated: 2021-02-22. Review status: criteria provided, single submitter. Criteria: Invitae Variant Classification Sherloc (09022015). Collection method: clinical testing. Allele origin: germline.
Comment: This variant has not been reported in the literature in individuals with PLEKHM2-related conditions. This sequence change replaces glycine with arginine at codon 145 of the PLEKHM2 protein (p.Gly145Arg). The glycine residue is highly conserved and there is a moderate physicochemical difference between glycine and arginine. This variant is not present in population databases (ExAC no frequency). Algorithms developed to predict the effect of missense changes on protein structure and function (SIFT, PolyPhen-2, Align-GVGD) all suggest that this variant is likely to be disruptive, but these predictions have not been confirmed by published functional studies and their clinical significance is uncertain. Algorithms developed to predict the effect of sequence changes on RNA splicing suggest that this variant may create or strengthen a splice site, but this prediction has not been confirmed by published transcriptional studies. In summary, the available evidence is currently insufficient to determine the role of this variant in disease. Therefore, it has been classified as a Variant of Uncertain Significance.

NM_015164.4(PLEKHM2):c.433G>A (p.Gly145Arg)

Gene: PLEKHM2 (pleckstrin homology and RUN domain containing M2; plus strand). Cytogenetic location: 1p36.21.
Variant type: single nucleotide variant.
Coding change: c.433G>A on transcript NM_015164.4 (MANE Select); coding-DNA position 433, G replaced by A.
Protein change: p.Gly145Arg; replaces glycine 145 with arginine.
Molecular consequence: missense variant.
Genome position (GRCh38, 1-based): chr1:15,718,593, G>A. VCF-style: chr1-15718593-G-A. GRCh37 (hg19) VCF-style: chr1-16045088-G-A.
Other names: short protein forms G145R.
Identifiers: ClinVar variation 1439343 (VCV001439343.8), dbSNP rs867582918, ClinGen allele CA338579757.
Genomic context (GRCh38, chr1:15,718,593, plus strand): 5'-TGCAGGAATGCCCTGGTCTGCAGCCACGATCACCTGACGCTCTTCCTGACCTTGGTGTCC[G>A]GGCTAGAGTTCATTCGTTTCGAGCTGGATCTGGTGAGACACCAGGGCTCTCACTGCTTGT-3'
Protein context (NP_055979.2, residues 135-155): HLTLFLTLVS[Gly145Arg]LEFIRFELDL